The following is an entry in ClinVar:

ClinVar aggregate classification (germline): Uncertain significance (1 of 4 stars; one submission).

Conditions:
Familial adenomatous polyposis 1 (FAP1). Also called: FAMILIAL ADENOMATOUS POLYPOSIS 1, ATTENUATED; POLYPOSIS, ADENOMATOUS INTESTINAL. Identifiers: MedGen C2713442, MONDO:0021056, OMIM 175100. Disease mechanism: loss of function.

Submission:

Labcorp Genetics (formerly Invitae), Labcorp
Classification: Uncertain significance for Familial adenomatous polyposis 1. Last evaluated: 2020-07-07. Review status: criteria provided, single submitter. Criteria: Invitae Variant Classification Sherloc (09022015). Collection method: clinical testing. Allele origin: germline.
Comment: In summary, the available evidence is currently insufficient to determine the role of this variant in disease. Therefore, it has been classified as a Variant of Uncertain Significance. Algorithms developed to predict the effect of missense changes on protein structure and function are either unavailable or do not agree on the potential impact of this missense change (SIFT: "Deleterious"; PolyPhen-2: "Possibly Damaging"; Align-GVGD: "Class C15"). This variant has not been reported in the literature in individuals with APC-related conditions. This variant is not present in population databases (ExAC no frequency). This sequence change replaces serine with isoleucine at codon 2763 of the APC protein (p.Ser2763Ile). The serine residue is highly conserved and there is a large physicochemical difference between serine and isoleucine.

NM_000038.6(APC):c.8288G>T (p.Ser2763Ile)

Gene: APC (APC regulator of Wnt signaling pathway; plus strand). Cytogenetic location: 5q22.2.
Variant type: single nucleotide variant.
Coding change: c.8288G>T on transcript NM_000038.6 (MANE Select); coding-DNA position 8288, G replaced by T.
Protein change: p.Ser2763Ile; replaces serine 2763 with isoleucine.
Molecular consequence: missense variant.
Genome position (GRCh38, 1-based): chr5:112,843,882, G>T. VCF-style: chr5-112843882-G-T. GRCh37 (hg19) VCF-style: chr5-112179579-G-T.
Other names: c.8288G>T, p.Ser2763Ile (NM_001127510.3, NM_001354895.2); c.8234G>T, p.Ser2745Ile (NM_001127511.3); c.8342G>T, p.Ser2781Ile (NM_001354896.2); c.8318G>T, p.Ser2773Ile (NM_001354897.2); c.8213G>T, p.Ser2738Ile (NM_001354898.2); c.8204G>T, p.Ser2735Ile (NM_001354899.2); c.8165G>T, p.Ser2722Ile (NM_001354900.2); c.8111G>T, p.Ser2704Ile (NM_001354901.2); and 5 more; short protein forms S2480I, S2603I, S2637I, S2662I, S2672I, S2704I, S2722I, S2735I.
Identifiers: ClinVar variation 1006854 (VCV001006854.10), dbSNP rs1766706339, ClinGen allele CA16039313.
Genomic context (GRCh38, chr5:112,843,882, plus strand): 5'-ATAATCCTGTCCCTGTATCAGAGACTAATGAAAGTTCTATAGTGGAACGTACCCCATTCA[G>T]TTCTAGCAGCTCAAGCAAACACAGTTCACCTAGTGGGACTGTTGCTGCCAGAGTGACTCC-3'
Protein context (NP_000029.2, residues 2753-2773): ESSIVERTPF[Ser2763Ile]SSSSSKHSSP